The following is an entry in ClinVar:

NM_000179.3(MSH6):c.2419dup (p.Glu807fs)

Gene: MSH6 (mutS homolog 6; plus strand). Cytogenetic location: 2p16.3.
Variant type: Duplication.
Coding change: c.2419dup on transcript NM_000179.3 (MANE Select); coding-DNA position 2419, one base duplicated (G; older notation c.2419dupG).
Protein change: p.Glu807fs; shifts the reading frame from glutamic acid 807.
Molecular consequence: frameshift variant.
Genome position (GRCh38, 1-based): chr2:47,800,402, G duplicated. VCF-style (leftmost placement, unchanged base first): chr2-47800401-C-CG. GRCh37 (hg19) VCF-style: chr2-48027540-C-CG.
Other names: c.2029dup, p.Glu677fs (NM_001281492.2); c.1513dup, p.Glu505fs (NM_001281493.2, NM_001281494.2); c.2419dupG (NM_000179.2); short protein forms E807fs, E677fs, E505fs.
Identifiers: ClinVar variation 525661 (VCV000525661.14), dbSNP rs1553413784, ClinGen allele CA658795771.
Genomic context (GRCh38, chr2:47,800,401, plus strand): 5'-TGCTATTAATGATCGTCTAGATGCCATAGAAGACCTCATGGTTGTGCCTGACAAAATCTC[C>CG]GAAGTTGTAGAGCTTCTAAAGAAGCTTCCAGATCTTGAGAGGCTACTCAGTAAAATTCAT-3'

ClinVar aggregate classification (germline): Pathogenic/Likely pathogenic. Review status: criteria provided, multiple submitters, no conflicts (2 of 4 stars). 4 submissions from 4 submitters: Pathogenic (3); Likely pathogenic (1). Last evaluated 2024-08-10.

Conditions:
Hereditary nonpolyposis colorectal neoplasms. Identifiers: MedGen C0009405, MeSH D003123.
Hereditary cancer-predisposing syndrome. Also called: Neoplastic Syndromes, Hereditary; Tumor predisposition; Hereditary Cancer Syndrome; Hereditary neoplastic syndrome. Identifiers: Orphanet 140162, MedGen C0027672, MeSH D009386, MONDO:0015356.
Lynch syndrome 5 (LYNCH5). Also called: Colorectal cancer, hereditary nonpolyposis, type 5; Hereditary non-polyposis colorectal cancer, type 5. Identifiers: Orphanet 144, MedGen C1833477, MONDO:0013710, OMIM 614350. Disease mechanism: loss of function.
Endometrial carcinoma. Also called: Endometrial carcinoma, somatic. Identifiers: MedGen C0476089, MONDO:0002447, OMIM 608089, HP:0012114.

Submissions (4):

Labcorp Genetics (formerly Invitae), Labcorp
Classification: Pathogenic for Hereditary nonpolyposis colorectal neoplasms. Last evaluated: 2024-08-10. Review status: criteria provided, single submitter. Criteria: Invitae Variant Classification Sherloc (09022015). Collection method: clinical testing. Allele origin: germline.
Comment: This sequence change creates a premature translational stop signal (p.Glu807Glyfs*13) in the MSH6 gene. It is expected to result in an absent or disrupted protein product. Loss-of-function variants in MSH6 are known to be pathogenic (PMID: 18269114, 24362816). This variant is not present in population databases (gnomAD no frequency). This variant has not been reported in the literature in individuals affected with MSH6-related conditions. ClinVar contains an entry for this variant (Variation ID: 525661). For these reasons, this variant has been classified as Pathogenic.

Baylor Genetics
Classification: Likely pathogenic for Endometrial carcinoma. Last evaluated: 2024-02-28. Review status: criteria provided, single submitter. Criteria: ACMG Guidelines, 2015. Collection method: clinical testing. Allele origin: unknown.

Myriad Genetics, Inc.
Classification: Pathogenic for Lynch syndrome 5. Last evaluated: 2023-08-17. Review status: criteria provided, single submitter. Criteria: Myriad Autosomal Dominant, Autosomal Recessive and X-Linked Classification Criteria (2023). Collection method: clinical testing. Allele origin: unknown.
Comment: This variant is considered pathogenic. This variant creates a frameshift predicted to result in premature protein truncation.

Ambry Genetics
Classification: Pathogenic for Hereditary cancer-predisposing syndrome. Last evaluated: 2022-01-21. Review status: criteria provided, single submitter. Criteria: Ambry Variant Classification Scheme 2023. Collection method: clinical testing. Allele origin: germline.
Comment: The c.2419dupG pathogenic mutation, located in coding exon 4 of the MSH6 gene, results from a duplication of G at nucleotide position 2419, causing a translational frameshift with a predicted alternate stop codon (p.E807Gfs*13). This variant is considered to be rare based on population cohorts in the Genome Aggregation Database (gnomAD). This alteration is expected to result in loss of function by premature protein truncation or nonsense-mediated mRNA decay. As such, this alteration is interpreted as a disease-causing mutation.

Literature cited by the submitters: PubMed 18269114 (cited by Labcorp Genetics (formerly Invitae), Labcorp); PubMed 24362816 (cited by Labcorp Genetics (formerly Invitae), Labcorp).